The following is an entry in ClinVar:

NM_172362.3(KCNH1):c.2245G>C (p.Glu749Gln)

Gene: KCNH1 (potassium voltage-gated channel subfamily H member 1; minus strand). Cytogenetic location: 1q32.2.
Variant type: single nucleotide variant.
Coding change: c.2245G>C on transcript NM_172362.3 (MANE Select); coding-DNA position 2245, G replaced by C.
Protein change: p.Glu749Gln; replaces glutamic acid 749 with glutamine.
Molecular consequence: missense variant.
Genome position (GRCh38, 1-based): chr1:210,684,006, C>G on the plus strand (G>C on the coding strand, the complement: KCNH1 is on the minus strand). VCF-style: chr1-210684006-C-G. GRCh37 (hg19) VCF-style: chr1-210857348-C-G.
Other names: c.2164G>C, p.Glu722Gln (NM_002238.4); short protein forms E722Q, E749Q.
Identifiers: ClinVar variation 3343570 (VCV003343570.1).

ClinVar aggregate classification (germline): Uncertain significance (1 of 4 stars; one submission).

gnomAD v4.1: 1 of 1,597,440 alleles (0.000063%); no homozygotes.

Submission:

GeneDx
Classification: Uncertain significance. Last evaluated: 2023-05-14. Review status: criteria provided, single submitter. Criteria: GeneDx Variant Classification Process June 2021. Collection method: clinical testing. Allele origin: germline. Affected: yes.
Comment: Not observed at significant frequency in large population cohorts (gnomAD); In silico analysis supports that this missense variant does not alter protein structure/function; Has not been previously published as pathogenic or benign to our knowledge